The following is an entry in ClinVar:

ClinVar aggregate classification (germline): Uncertain significance (1 of 4 stars; one submission).

Conditions:
Hereditary cancer-predisposing syndrome. Also called: Tumor predisposition; Hereditary neoplastic syndrome; Hereditary Cancer Syndrome; Neoplastic Syndromes, Hereditary. Identifiers: Orphanet 140162, MedGen C0027672, MeSH D009386, MONDO:0015356.

gnomAD v4.1: 1 of 1,614,218 alleles (0.000062%); highest among the groups gnomAD compares: Admixed American, 0.0017%; no homozygotes.

Submission:

Ambry Genetics
Classification: Uncertain significance for Hereditary cancer-predisposing syndrome. Last evaluated: 2026-02-03. Review status: criteria provided, single submitter. Criteria: Ambry Variant Classification Scheme 2023. Collection method: clinical testing. Allele origin: germline.
Comment: The p.Q2972H variant (also known as c.8916G>C), located in coding exon 61 of the ATM gene, results from a G to C substitution at nucleotide position 8916. The glutamine at codon 2972 is replaced by histidine, an amino acid with highly similar properties. This amino acid position is highly conserved in available vertebrate species. In addition, the in silico prediction for this alteration is inconclusive. Based on the available evidence, the clinical significance of this variant remains unclear.

NM_000051.4(ATM):c.8916G>C (p.Gln2972His)

Genes: ATM (ATM serine/threonine kinase; plus strand), C11orf65 (chromosome 11 open reading frame 65; minus strand). Cytogenetic location: 11q22.3.
Variant type: single nucleotide variant.
Coding change: c.8916G>C on transcript NM_000051.4 (MANE Select); coding-DNA position 8916, G replaced by C.
Protein change: p.Gln2972His; replaces glutamine 2972 with histidine.
Molecular consequence: missense variant. On other transcripts: intron variant (2).
Genome position (GRCh38, 1-based): chr11:108,365,147, G>C. VCF-style: chr11-108365147-G-C. GRCh37 (hg19) VCF-style: chr11-108235874-G-C.
Other names: c.8916G>C, p.Gln2972His (NM_001351834.2); c.640+20773C>G (NM_001330368.2); c.694+20773C>G (NM_001351110.2); short protein forms Q2972H.
Identifiers: ClinVar variation 4825515 (VCV004825515.1).